The following is an entry in ClinVar:

ClinVar aggregate classification (germline): Uncertain significance (1 of 4 stars; one submission).

Conditions:
Cryptosporidiosis-chronic cholangitis-liver disease syndrome. Also called: IL21R immunodeficiency; Immunodeficiency type 56. Identifiers: Orphanet 357329, MedGen C3554687, MONDO:0014082, OMIM 615207.

Allele frequency attached by ClinVar (database versions not stated): gnomAD exomes below 0.00001.
gnomAD v4.1: 1 of 1,613,384 alleles (0.000062%); highest among the groups gnomAD compares: Non-Finnish European, 0.000085%; no homozygotes.

Submission:

Labcorp Genetics (formerly Invitae), Labcorp
Classification: Uncertain significance for Cryptosporidiosis-chronic cholangitis-liver disease syndrome. Last evaluated: 2021-10-22. Review status: criteria provided, single submitter. Criteria: Invitae Variant Classification Sherloc (09022015). Collection method: clinical testing. Allele origin: germline.
Comment: In summary, the available evidence is currently insufficient to determine the role of this variant in disease. Therefore, it has been classified as a Variant of Uncertain Significance. Algorithms developed to predict the effect of missense changes on protein structure and function are either unavailable or do not agree on the potential impact of this missense change (SIFT: "Tolerated"; PolyPhen-2: "Possibly Damaging"; Align-GVGD: "Class C0"). This variant has not been reported in the literature in individuals affected with IL21R-related conditions. This variant is not present in population databases (ExAC no frequency). This sequence change replaces glycine with alanine at codon 472 of the IL21R protein (p.Gly472Ala). The glycine residue is highly conserved and there is a small physicochemical difference between glycine and alanine.

NM_181078.3(IL21R):c.1415G>C (p.Gly472Ala)

Genes: IL21R (interleukin 21 receptor; plus strand), IL21R-AS1 (IL21R antisense RNA 1; minus strand), LOC130058713 (ATAC-STARR-seq lymphoblastoid active region 10627; plus strand). Cytogenetic location: 16p12.1.
Variant type: single nucleotide variant.
Coding change: c.1415G>C on transcript NM_181078.3 (MANE Select); coding-DNA position 1415, G replaced by C.
Protein change: p.Gly472Ala; replaces glycine 472 with alanine.
Molecular consequence: missense variant. On other transcripts: non-coding transcript variant (1).
Genome position (GRCh38, 1-based): chr16:27,449,081, G>C. VCF-style: chr16-27449081-G-C. GRCh37 (hg19) VCF-style: chr16-27460402-G-C.
Other names: c.1415G>C, p.Gly472Ala (NM_021798.4); c.1481G>C, p.Gly494Ala (NM_181079.5); short protein forms G472A, G494A.
Identifiers: ClinVar variation 1517421 (VCV001517421.6), dbSNP rs1399898216, ClinGen allele CA395308700.